The following is an entry in ClinVar:

ClinVar aggregate classification (germline): Benign/Likely benign. Review status: criteria provided, multiple submitters, no conflicts (2 of 4 stars). 3 submissions from 2 submitters: Benign (1); Likely benign (2). Last evaluated 2018-07-11.

Conditions:
Joubert syndrome 24 (JBTS24). Identifiers: Orphanet 475, MedGen C4084841, MONDO:0014724, OMIM 616654.
Meckel syndrome, type 8. Identifiers: Orphanet 564, MedGen C3836857, MONDO:0013482, OMIM 613885.

Allele frequency attached by ClinVar (database versions not stated): gnomAD exomes 0.00215 and 0.00740; ESP Exome Variant Server 0.00538; ExAC 0.00556; gnomAD 0.01033 and 0.01053; 1000 Genomes Project 0.01278; TOPMed 0.01370; 1000 Genomes Project 30x 0.01390.
gnomAD v4.1: 4,517 of 1,491,824 alleles (0.3%); highest among the groups gnomAD compares: Admixed American, 4.3%; 96 homozygotes.

Submissions (3):

GeneDx
Classification: Likely benign. Last evaluated: 2018-07-11. Review status: criteria provided, single submitter. Criteria: GeneDx Variant Classification Process June 2021. Collection method: clinical testing. Allele origin: germline. Affected: yes.

Illumina Laboratory Services, Illumina
Classification: Benign for Joubert syndrome 24. Last evaluated: 2018-01-12. Review status: criteria provided, single submitter. Criteria: ICSL Variant Classification Criteria 13 December 2019. Collection method: clinical testing. Allele origin: germline.
Comment: This variant was observed in the ICSL laboratory as part of a predisposition screen in an ostensibly healthy population. It had not been previously curated by ICSL or reported in the Human Gene Mutation Database (HGMD: prior to June 1st, 2018), and was therefore a candidate for classification through an automated scoring system. Utilizing variant allele frequency, disease prevalence and penetrance estimates, and inheritance mode, an automated score was calculated to assess if this variant is too frequent to cause the disease. Based on the score and internal cut-off values, a variant classified as benign is not then subjected to further curation. The score for this variant resulted in a classification of benign for this disease.

Illumina Laboratory Services, Illumina
Classification: Likely benign for Meckel syndrome, type 8. Last evaluated: 2018-01-12. Review status: criteria provided, single submitter. Criteria: ICSL Variant Classification Criteria 13 December 2019. Collection method: clinical testing. Allele origin: germline.
Comment: This variant was observed in the ICSL laboratory as part of a predisposition screen in an ostensibly healthy population. It had not been previously curated by ICSL or reported in the Human Gene Mutation Database (HGMD: prior to June 1st, 2018), and was therefore a candidate for classification through an automated scoring system. Utilizing variant allele frequency, disease prevalence and penetrance estimates, and inheritance mode, an automated score was calculated to assess if this variant is too frequent to cause the disease. Based on the score and internal cut-off values, a variant classified as likely benign is not then subjected to further curation. The score for this variant resulted in a classification of likely benign for this disease.

NM_024809.5(TCTN2):c.*45G>A

Gene: TCTN2 (tectonic family member 2; plus strand). Cytogenetic location: 12q24.31.
Variant type: single nucleotide variant.
Coding change: c.*45G>A on transcript NM_024809.5 (MANE Select); 45 bases downstream of the stop codon, G replaced by A.
Molecular consequence: 3 prime UTR variant.
Genome position (GRCh38, 1-based): chr12:123,707,758, G>A. VCF-style: chr12-123707758-G-A. GRCh37 (hg19) VCF-style: chr12-124192305-G-A.
Other names: c.*45G>A (NM_001143850.3).
Identifiers: ClinVar variation 307562 (VCV000307562.8), dbSNP rs142969969, ClinGen allele CA6861435.